The following is an entry in ClinVar:

NM_025081.3(NYNRIN):c.5213C>T (p.Ala1738Val)

Gene: NYNRIN (NYN domain and retroviral integrase containing; plus strand). Cytogenetic location: 14q12.
Variant type: single nucleotide variant.
Coding change: c.5213C>T on transcript NM_025081.3 (MANE Select); coding-DNA position 5213, C replaced by T.
Protein change: p.Ala1738Val; replaces alanine 1738 with valine.
Molecular consequence: missense variant.
Genome position (GRCh38, 1-based): chr14:24,416,962, C>T. VCF-style: chr14-24416962-C-T. GRCh37 (hg19) VCF-style: chr14-24886168-C-T.
Other names: short protein forms A1738V.
Identifiers: ClinVar variation 3604833 (VCV003604833.2).

ClinVar aggregate classification (germline): Uncertain significance (1 of 4 stars; one submission).

gnomAD v4.1: 46 of 1,584,140 alleles (0.0029%); highest among the groups gnomAD compares: Middle Eastern, 0.017%; no homozygotes.

Submission:

Labcorp Genetics (formerly Invitae), Labcorp
Classification: Uncertain significance. Last evaluated: 2025-12-08. Review status: criteria provided, single submitter. Criteria: Invitae Variant Classification Sherloc (09022015). Collection method: clinical testing. Allele origin: germline.
Comment: This sequence change replaces alanine, which is neutral and non-polar, with valine, which is neutral and non-polar, at codon 1738 of the NYNRIN protein (p.Ala1738Val). This variant is present in population databases (rs200693824, gnomAD 0.008%). This variant has not been reported in the literature in individuals affected with NYNRIN-related conditions. ClinVar contains an entry for this variant (Variation ID: 3604833). Experimental studies and prediction algorithms are not available or were not evaluated, and the functional significance of this variant is currently unknown. In summary, the available evidence is currently insufficient to determine the role of this variant in disease. Therefore, it has been classified as a Variant of Uncertain Significance.